The following is an entry in ClinVar:

NM_000179.3(MSH6):c.2651C>T (p.Ser884Phe)

Gene: MSH6 (mutS homolog 6; plus strand). Cytogenetic location: 2p16.3.
Variant type: single nucleotide variant.
Coding change: c.2651C>T on transcript NM_000179.3 (MANE Select); coding-DNA position 2651, C replaced by T.
Protein change: p.Ser884Phe; replaces serine 884 with phenylalanine.
Molecular consequence: missense variant.
Genome position (GRCh38, 1-based): chr2:47,800,634, C>T. VCF-style: chr2-47800634-C-T. GRCh37 (hg19) VCF-style: chr2-48027773-C-T.
Other names: c.2261C>T, p.Ser754Phe (NM_001281492.2); c.1745C>T, p.Ser582Phe (NM_001281493.2, NM_001281494.2); short protein forms S884F, S582F, S754F.
Identifiers: ClinVar variation 428438 (VCV000428438.16), dbSNP rs561217424, ClinGen allele CA346755164.
Genomic context (GRCh38, chr2:47,800,634, plus strand): 5'-GATTCAAAGTAATGTGTAAAATTATAGGGATCATGGAAGAAGTTGCTGATGGTTTTAAGT[C>T]TAAAATCCTTAAGCAGGTCATCTCTCTGCAGACAAAAAATCCTGAAGGTCGTTTTCCTGA-3'
Protein context (NP_000170.1, residues 874-894): IMEEVADGFK[Ser884Phe]KILKQVISLQ

ClinVar aggregate classification (germline): Uncertain significance. Review status: criteria provided, multiple submitters, no conflicts (2 of 4 stars). 2 submissions from 2 submitters: Uncertain significance (2). Last evaluated 2026-08-20.

Conditions:
Hereditary nonpolyposis colorectal neoplasms. Identifiers: MedGen C0009405, MeSH D003123.
Hereditary cancer-predisposing syndrome. Also called: Neoplastic Syndromes, Hereditary; Hereditary neoplastic syndrome; Hereditary Cancer Syndrome; Tumor predisposition. Identifiers: Orphanet 140162, MedGen C0027672, MeSH D009386, MONDO:0015356.

Submissions (2):

Ambry Genetics
Classification: Uncertain significance for Hereditary cancer-predisposing syndrome. Last evaluated: 2026-08-20. Review status: criteria provided, single submitter. Criteria: Ambry Variant Classification Scheme 2023. Collection method: clinical testing. Allele origin: germline.
Comment: The p.S884F variant (also known as c.2651C>T), located in coding exon 4 of the MSH6 gene, results from a C to T substitution at nucleotide position 2651. The serine at codon 884 is replaced by phenylalanine, an amino acid with highly dissimilar properties. This amino acid position is highly conserved in available vertebrate species. In addition, this alteration is predicted to be deleterious by in silico analysis. Based on the available evidence, the clinical significance of this variant remains unclear.

Labcorp Genetics (formerly Invitae), Labcorp
Classification: Uncertain significance for Hereditary nonpolyposis colorectal neoplasms. Last evaluated: 2022-10-03. Review status: criteria provided, single submitter. Criteria: Invitae Variant Classification Sherloc (09022015). Collection method: clinical testing. Allele origin: germline.
Comment: This sequence change replaces serine, which is neutral and polar, with phenylalanine, which is neutral and non-polar, at codon 884 of the MSH6 protein (p.Ser884Phe). ClinVar contains an entry for this variant (Variation ID: 428438). Algorithms developed to predict the effect of missense changes on protein structure and function (SIFT, PolyPhen-2, Align-GVGD) all suggest that this variant is likely to be disruptive. In summary, the available evidence is currently insufficient to determine the role of this variant in disease. Therefore, it has been classified as a Variant of Uncertain Significance. This variant is not present in population databases (gnomAD no frequency). This variant has not been reported in the literature in individuals affected with MSH6-related conditions.